The following is an entry in ClinVar:

NM_006017.3(PROM1):c.2330C>T (p.Thr777Ile)

Gene: PROM1 (prominin 1; minus strand). Cytogenetic location: 4p15.32.
Variant type: single nucleotide variant.
Coding change: c.2330C>T on transcript NM_006017.3 (MANE Select); coding-DNA position 2330, C replaced by T.
Protein change: p.Thr777Ile; replaces threonine 777 with isoleucine.
Molecular consequence: missense variant.
Genome position (GRCh38, 1-based): chr4:15,984,306, G>A on the plus strand (C>T on the coding strand, the complement: PROM1 is on the minus strand). VCF-style: chr4-15984306-G-A. GRCh37 (hg19) VCF-style: chr4-15985929-G-A.
Other names: c.2303C>T, p.Thr768Ile (NM_001145847.2, NM_001145848.2, NM_001145851.2 and 4 more transcripts); c.2330C>T, p.Thr777Ile (NM_001145849.2, NM_001145850.2); short protein forms T777I, T768I.
Identifiers: ClinVar variation 2073300 (VCV002073300.4), dbSNP rs2474987980, ClinGen allele CA356426981.

ClinVar aggregate classification (germline): Uncertain significance (1 of 4 stars; one submission).

Allele frequency attached by ClinVar (database versions not stated): gnomAD exomes below 0.00001.
gnomAD v4.1: 1 of 1,609,642 alleles (0.000062%); highest among the groups gnomAD compares: Non-Finnish European, 0.000085%; no homozygotes.

Submission:

Labcorp Genetics (formerly Invitae), Labcorp
Classification: Uncertain significance. Last evaluated: 2024-12-02. Review status: criteria provided, single submitter. Criteria: Invitae Variant Classification Sherloc (09022015). Collection method: clinical testing. Allele origin: germline.
Comment: This sequence change replaces threonine, which is neutral and polar, with isoleucine, which is neutral and non-polar, at codon 777 of the PROM1 protein (p.Thr777Ile). This variant is not present in population databases (gnomAD no frequency). This variant has not been reported in the literature in individuals affected with PROM1-related conditions. ClinVar contains an entry for this variant (Variation ID: 2073300). Invitae Evidence Modeling of protein sequence and biophysical properties (such as structural, functional, and spatial information, amino acid conservation, physicochemical variation, residue mobility, and thermodynamic stability) has been performed for this missense variant. However, the output from this modeling did not meet the statistical confidence thresholds required to predict the impact of this variant on PROM1 protein function. In summary, the available evidence is currently insufficient to determine the role of this variant in disease. Therefore, it has been classified as a Variant of Uncertain Significance.